The following is an entry in ClinVar:

ClinVar aggregate classification (germline): Uncertain significance (1 of 4 stars; one submission).

Submission:

Labcorp Genetics (formerly Invitae), Labcorp
Classification: Uncertain significance. Last evaluated: 2024-10-15. Review status: criteria provided, single submitter. Criteria: Invitae Variant Classification Sherloc (09022015). Collection method: clinical testing. Allele origin: germline.
Comment: This sequence change replaces arginine, which is basic and polar, with threonine, which is neutral and polar, at codon 807 of the COL4A1 protein (p.Arg807Thr). This variant is not present in population databases (gnomAD no frequency). This variant has not been reported in the literature in individuals affected with COL4A1-related conditions. Invitae Evidence Modeling of protein sequence and biophysical properties (such as structural, functional, and spatial information, amino acid conservation, physicochemical variation, residue mobility, and thermodynamic stability) indicates that this missense variant is not expected to disrupt COL4A1 protein function with a negative predictive value of 95%. In summary, the available evidence is currently insufficient to determine the role of this variant in disease. Therefore, it has been classified as a Variant of Uncertain Significance.

NM_001845.6(COL4A1):c.2420G>C (p.Arg807Thr)

Gene: COL4A1 (collagen type IV alpha 1 chain; minus strand). Cytogenetic location: 13q34.
Variant type: single nucleotide variant.
Coding change: c.2420G>C on transcript NM_001845.6 (MANE Select); coding-DNA position 2420, G replaced by C.
Protein change: p.Arg807Thr; replaces arginine 807 with threonine.
Molecular consequence: missense variant.
Genome position (GRCh38, 1-based): chr13:110,178,961, C>G on the plus strand (G>C on the coding strand, the complement: COL4A1 is on the minus strand). VCF-style: chr13-110178961-C-G. GRCh37 (hg19) VCF-style: chr13-110831308-C-G.
Other names: short protein forms R807T.
Identifiers: ClinVar variation 2852842 (VCV002852842.3), dbSNP rs2501782274, ClinGen allele CA388668368.